The following is an entry in ClinVar:

ClinVar aggregate classification (germline): Uncertain significance (1 of 4 stars; one submission).

gnomAD v4.1: 18 of 1,613,348 alleles (0.0011%); highest among the groups gnomAD compares: African/African-American, 0.017%; no homozygotes.

Submission:

GeneDx
Classification: Uncertain significance. Last evaluated: 2024-08-19. Review status: criteria provided, single submitter. Criteria: GeneDx Variant Classification Process June 2021. Collection method: clinical testing. Allele origin: germline. Affected: yes.
Comment: In silico analysis supports that this missense variant has a deleterious effect on protein structure/function; Has not been previously published as pathogenic or benign to our knowledge

NM_016239.4(MYO15A):c.5084C>T (p.Pro1695Leu)

Gene: MYO15A (myosin XVA; plus strand). Cytogenetic location: 17p11.2.
Variant type: single nucleotide variant.
Coding change: c.5084C>T on transcript NM_016239.4 (MANE Select); coding-DNA position 5084, C replaced by T.
Protein change: p.Pro1695Leu; replaces proline 1695 with leucine.
Molecular consequence: missense variant.
Genome position (GRCh38, 1-based): chr17:18,138,887, C>T. VCF-style: chr17-18138887-C-T. GRCh37 (hg19) VCF-style: chr17-18042201-C-T.
Other names: short protein forms P1695L.
Identifiers: ClinVar variation 3764283 (VCV003764283.1).